The following is an entry in ClinVar:

NM_203447.4(DOCK8):c.4974C>G (p.Tyr1658Ter)

Gene: DOCK8 (dedicator of cytokinesis 8; plus strand). Cytogenetic location: 9p24.3.
Variant type: single nucleotide variant.
Coding change: c.4974C>G on transcript NM_203447.4 (MANE Select); coding-DNA position 4974, C replaced by G.
Protein change: p.Tyr1658Ter; replaces tyrosine 1658 with a stop codon.
Molecular consequence: nonsense.
Genome position (GRCh38, 1-based): chr9:434,870, C>G. VCF-style: chr9-434870-C-G. GRCh37 (hg19) VCF-style: chr9-434870-C-G.
Other names: c.4674C>G, p.Tyr1558Ter (NM_001190458.2); c.4770C>G, p.Tyr1590Ter (NM_001193536.2); short protein forms Y1558*, Y1590*, Y1658*.
Identifiers: ClinVar variation 2025009 (VCV002025009.4), dbSNP rs1564065545, ClinGen allele CA372767375.

ClinVar aggregate classification (germline): Pathogenic (1 of 4 stars; one submission).

Conditions:
Combined immunodeficiency due to DOCK8 deficiency (HIES2). Also called: Hyper-IgE recurrent infection syndrome, autosomal recessive; HIES autosomal recessive; HYPER-IgE RECURRENT INFECTION SYNDROME 2, AUTOSOMAL RECESSIVE; DOCK8 Deficiency; HYPER-IgE SYNDROME 2, AUTOSOMAL RECESSIVE, WITH RECURRENT INFECTIONS. Identifiers: Orphanet 217390, MedGen C4722305, MONDO:0009478, OMIM 243700.

Submission:

Labcorp Genetics (formerly Invitae), Labcorp
Classification: Pathogenic for Combined immunodeficiency due to DOCK8 deficiency. Last evaluated: 2022-08-31. Review status: criteria provided, single submitter. Criteria: Invitae Variant Classification Sherloc (09022015). Collection method: clinical testing. Allele origin: germline.
Comment: This sequence change creates a premature translational stop signal (p.Tyr1658*) in the DOCK8 gene. It is expected to result in an absent or disrupted protein product. Loss-of-function variants in DOCK8 are known to be pathogenic (PMID: 14722525, 19776401). This variant is not present in population databases (gnomAD no frequency). This variant has not been reported in the literature in individuals affected with DOCK8-related conditions. For these reasons, this variant has been classified as Pathogenic.

Literature cited by the submitters: PubMed 14722525; PubMed 19776401.